The following is an entry in ClinVar:

NM_014844.5(TECPR2):c.3942del (p.Cys1315fs)

Gene: TECPR2 (tectonin beta-propeller repeat containing 2; plus strand). Cytogenetic location: 14q32.31.
Variant type: Deletion.
Coding change: c.3942del on transcript NM_014844.5 (MANE Select); coding-DNA position 3942, one base deleted (C; older notation c.3942delC).
Protein change: p.Cys1315fs; shifts the reading frame from cysteine 1315.
Molecular consequence: frameshift variant.
Genome position (GRCh38, 1-based): chr14:102,497,580, C deleted; the last of 2 consecutive C bases (chr14:102,497,579-102,497,580); deleting either gives the same sequence. VCF-style (leftmost placement, unchanged base first): chr14-102497578-GC-G. GRCh37 (hg19) VCF-style: chr14-102963915-GC-G.
Other names: short protein forms C1315fs.
Identifiers: ClinVar variation 1460289 (VCV001460289.6), dbSNP rs2139803627, ClinGen allele CA2573150505.

ClinVar aggregate classification (germline): Pathogenic (1 of 4 stars; one submission).

Conditions:
Hereditary spastic paraplegia 49 (HSAN9). Also called: Spastic paraplegia 49, autosomal recessive; TECPR2-Related Hereditary Sensory and Autonomic Neuropathy with Intellectual Disability; NEUROPATHY, HEREDITARY SENSORY AND AUTONOMIC, TYPE IX, WITH DEVELOPMENTAL DELAY. Identifiers: Orphanet 320385, MedGen C5190860, MONDO:0014016, OMIM 615031.

Submission:

Labcorp Genetics (formerly Invitae), Labcorp
Classification: Pathogenic for Hereditary spastic paraplegia 49. Last evaluated: 2021-12-03. Review status: criteria provided, single submitter. Criteria: Invitae Variant Classification Sherloc (09022015). Collection method: clinical testing. Allele origin: germline.
Comment: This sequence change creates a premature translational stop signal (p.Cys1315Alafs*5) in the TECPR2 gene. It is expected to result in an absent or disrupted protein product. Loss-of-function variants in TECPR2 are known to be pathogenic (PMID: 23176824, 25590979). This variant is not present in population databases (gnomAD no frequency). This variant has not been reported in the literature in individuals affected with TECPR2-related conditions. For these reasons, this variant has been classified as Pathogenic.

Literature cited by the submitters: PubMed 23176824; PubMed 25590979.